The following is an entry in ClinVar:

NM_003336.4(UBE2A):c.394_396del (p.Glu132del)

Gene: UBE2A (ubiquitin conjugating enzyme E2 A; plus strand). Cytogenetic location: Xq24.
Variant type: Deletion.
Coding change: c.394_396del on transcript NM_003336.4 (MANE Select); coding-DNA positions 394 to 396, 3 bases deleted (GAG; older notation c.394_396delGAG).
Protein change: p.Glu132del; deletes glutamic acid 132.
Genome position (GRCh38, 1-based): chrX:119,583,190-119,583,192, GAG deleted; deleting any 3 consecutive bases within chrX:119,583,188-119,583,192 gives the same sequence; the c. name uses the placement nearest the transcript's 3' end. VCF-style (leftmost placement, unchanged base first): chrX-119583187-CAGG-C. GRCh37 (hg19) VCF-style: chrX-118717150-CAGG-C.
Other names: c.295_297del, p.Glu99del (NM_001282161.2); c.304_306del, p.Glu102del (NM_181762.3); short protein forms E102del, E132del, E99del.
Identifiers: ClinVar variation 3376419 (VCV003376419.1).

ClinVar aggregate classification (germline): Uncertain significance (1 of 4 stars; one submission).

Conditions:
Intellectual developmental disorder, X-linked, syndromic, Nascimento type. Also called: MENTAL RETARDATION, X-LINKED, SYNDROMIC 30; Syndromic X-linked intellectual disability Nascimento type. Identifiers: Orphanet 163956, MedGen C3275464, MONDO:0010461, OMIM 300860.

Submission:

Pittsburgh Clinical Genomics Laboratory, University of Pittsburgh Medical Center
Classification: Uncertain significance for Intellectual developmental disorder, X-linked, syndromic, Nascimento type. Last evaluated: 2023-10-24. Review status: criteria provided, single submitter. Criteria: ACMG Guidelines, 2015. Collection method: clinical testing. Allele origin: germline. Inheritance: X-linked recessive inheritance. Affected: yes.
Comment: This sequence variant is a three-nucleotide deletion (CCT) in the last of 6 exons in the UBE2A gene and results in the loss of a glutamic acid at codon 132. The 132 residue falls in the ubiquitin-conjugating enzyme catalytic domain of UBE2A (PMID: 28611923). This variant is absent from ClinVar and has not been observed in an individual affected by a UBE2A-related disorder in the published literature, to our knowledge. This variant is absent from the gnomAD population database (0/~294,000 alleles). Studies examining the functional consequence of this variant have not been published, to our knowledge. At this time, there is insufficient evidence to determine if this variant is pathogenic or benign. Therefore, we consider this a variant of uncertain significance. ACMG Criteria: PM2, PM4

Literature cited by the submitters: PubMed 28611923.